The following is an entry in ClinVar:

NM_024577.4(SH3TC2):c.713T>G (p.Leu238Arg)

Gene: SH3TC2 (SH3 domain and tetratricopeptide repeats 2; minus strand). Cytogenetic location: 5q32.
Variant type: single nucleotide variant.
Coding change: c.713T>G on transcript NM_024577.4 (MANE Select); coding-DNA position 713, T replaced by G.
Protein change: p.Leu238Arg; replaces leucine 238 with arginine.
Molecular consequence: missense variant.
Genome position (GRCh38, 1-based): chr5:149,041,434, A>C on the plus strand (T>G on the coding strand, the complement: SH3TC2 is on the minus strand). VCF-style: chr5-149041434-A-C. GRCh37 (hg19) VCF-style: chr5-148420997-A-C.
Other names: short protein forms L238R.
Identifiers: ClinVar variation 653020 (VCV000653020.10), dbSNP rs1210345750, ClinGen allele CA361674270.

ClinVar aggregate classification (germline): Uncertain significance (1 of 4 stars; one submission).

Conditions:
Charcot-Marie-Tooth disease type 4. Also called: Charcot-Marie-Tooth disease, type IV; Charcot-Marie-Tooth, Type 4. Identifiers: Orphanet 64749, MedGen C4082197, MONDO:0018995.

Allele frequency attached by ClinVar (database versions not stated): gnomAD 0.00001; TOPMed 0.00001.

Submission:

Labcorp Genetics (formerly Invitae), Labcorp
Classification: Uncertain significance for Charcot-Marie-Tooth disease type 4. Last evaluated: 2019-11-15. Review status: criteria provided, single submitter. Criteria: Invitae Variant Classification Sherloc (09022015). Collection method: clinical testing. Allele origin: germline.
Comment: This sequence change replaces leucine with arginine at codon 238 of the SH3TC2 protein (p.Leu238Arg). The leucine residue is highly conserved and there is a moderate physicochemical difference between leucine and arginine. This variant is not present in population databases (ExAC no frequency). This variant has not been reported in the literature in individuals with SH3TC2-related disease. Algorithms developed to predict the effect of missense changes on protein structure and function (SIFT, PolyPhen-2, Align-GVGD) all suggest that this variant is likely to be disruptive, but these predictions have not been confirmed by published functional studies and their clinical significance is uncertain. In summary, the available evidence is currently insufficient to determine the role of this variant in disease. Therefore, it has been classified as a Variant of Uncertain Significance.